The following is an entry in ClinVar:

ClinVar aggregate classification (germline): Conflicting classifications of pathogenicity. Review status: criteria provided, conflicting classifications (1 of 4 stars). 3 submissions from 3 submitters: Uncertain significance (2); Likely benign (1). Last evaluated 2025-12-21.

Conditions:
Acute myeloid leukemia (AML). Also called: Acute myeloid leukemia, adult; AML adult; Acute non-lymphocytic leukemia; Acute granulocytic leukemia; Leukemia, acute myelogenous, somatic; Leukemia, acute myeloid, somatic. Identifiers: Orphanet 519, MedGen C0023467, MeSH D015470, MONDO:0018874, OMIM 601626, HP:0004808. Disease mechanism: Constitutively activated FLT3.
Inborn genetic diseases. Identifiers: MedGen C0950123, MeSH D030342.

Submissions (3):

Labcorp Genetics (formerly Invitae), Labcorp
Classification: Uncertain significance for Acute myeloid leukemia. Last evaluated: 2025-12-21. Review status: criteria provided, single submitter. Criteria: Invitae Variant Classification Sherloc (09022015). Collection method: clinical testing. Allele origin: germline.
Comment: This variant, c.305_313dup, results in the insertion of 3 amino acid(s) of the CEBPA protein (p.Gly102_Gly104dup), but otherwise preserves the integrity of the reading frame. This variant is not present in population databases (gnomAD no frequency). This variant has not been reported in the literature in individuals affected with CEBPA-related conditions. ClinVar contains an entry for this variant (Variation ID: 937655). Experimental studies and prediction algorithms are not available or were not evaluated, and the functional significance of this variant is currently unknown. In summary, the available evidence is currently insufficient to determine the role of this variant in disease. Therefore, it has been classified as a Variant of Uncertain Significance.

Ambry Genetics
Classification: Likely benign for Inborn genetic diseases. Last evaluated: 2025-06-18. Review status: criteria provided, single submitter. Criteria: Ambry Variant Classification Scheme 2023. Collection method: clinical testing. Allele origin: germline.

GeneDx
Classification: Uncertain significance. Last evaluated: 2024-07-12. Review status: criteria provided, single submitter. Criteria: GeneDx Variant Classification Process June 2021. Collection method: clinical testing. Allele origin: germline. Affected: yes.
Comment: In-frame duplication of 3 amino acids in a repetitive region with no known function; Not observed at significant frequency in large population cohorts (gnomAD); Has not been previously published as pathogenic or benign to our knowledge

NM_004364.5(CEBPA):c.296GCG[9] (p.Gly102_Gly104dup)

Gene: CEBPA (CCAAT enhancer binding protein alpha; minus strand). Cytogenetic location: 19q13.11.
Variant type: Microsatellite.
Coding change: c.296GCG[9] on transcript NM_004364.5 (MANE Select); nine copies in a row of the 3-base unit GCG starting at c.296; the reference has six copies in a row; three copies, 9 bases duplicated; also written c.305_313dup.
Protein change: p.Gly102_Gly104dup.
Molecular consequence: inframe insertion. On other transcripts: 5 prime UTR variant (1).
Genome position (GRCh38, 1-based): chr19:33,302,102-33,302,110, CGCCGCCGC duplicated on the plus strand (GCGGCGGCG on the coding strand, the reverse complement: CEBPA is on the minus strand); duplicating any 9 consecutive bases within chr19:33,302,102-33,302,120 gives the same sequence; the position shown is the placement nearest the transcript's 3' end. VCF-style (leftmost placement, unchanged base first): chr19-33302101-T-TCGCCGCCGC. GRCh37 (hg19) VCF-style: chr19-33793007-T-TCGCCGCCGC.
Other names: c.305_313dup (NM_004364.3); c.-62GCG[9] (NM_001285829.2); c.401GCG[9], p.Gly137_Gly139dup (NM_001287424.2); c.254GCG[9], p.Gly88_Gly90dup (NM_001287435.2); c.305_313dupGCGGCGGCG (NM_004364.3).
Identifiers: ClinVar variation 937655 (VCV000937655.11), dbSNP rs780345232, ClinGen allele CA307844371.